The following is an entry in ClinVar:

NM_024685.4(BBS10):c.198-3C>T

Gene: BBS10 (Bardet-Biedl syndrome 10; minus strand). Cytogenetic location: 12q21.2.
Variant type: single nucleotide variant.
Coding change: c.198-3C>T on transcript NM_024685.4 (MANE Select); 3 bases into the intron before coding-DNA position 198, C replaced by T.
Molecular consequence: intron variant.
Genome position (GRCh38, 1-based): chr12:76,347,790, G>A on the plus strand (C>T on the coding strand, the complement: BBS10 is on the minus strand). VCF-style: chr12-76347790-G-A. GRCh37 (hg19) VCF-style: chr12-76741570-G-A.
Identifiers: ClinVar variation 971539 (VCV000971539.10), dbSNP rs779659204, ClinGen allele CA6694389.

ClinVar aggregate classification (germline): Uncertain significance. Review status: criteria provided, multiple submitters, no conflicts (2 of 4 stars). 5 submissions from 5 submitters: Uncertain significance (3). 2 of the submissions do not count toward it. Last evaluated 2024-12-16.

Conditions:
Inborn genetic diseases. Identifiers: MedGen C0950123, MeSH D030342.
Bardet-Biedl syndrome 10 (BBS10). Identifiers: Orphanet 110, MedGen C1859568, MONDO:0014438, OMIM 615987.
Bardet-Biedl syndrome (BBS). Identifiers: Orphanet 110, MedGen C0752166, MONDO:0015229.
BBS10-related disorder. Also called: BBS10-related condition.

Allele frequency attached by ClinVar (database versions not stated): gnomAD exomes 0.00002 and 0.00006; gnomAD 0.00003; TOPMed 0.00003; ExAC 0.00004.
gnomAD v4.1: 39 of 1,599,334 alleles (0.0024%); highest among the groups gnomAD compares: Non-Finnish European, 0.0031%; no homozygotes.

Submissions (6):

Labcorp Genetics (formerly Invitae), Labcorp
Classification: Uncertain significance for Bardet-Biedl syndrome. Last evaluated: 2024-12-16. Review status: criteria provided, single submitter. Criteria: Invitae Variant Classification Sherloc (09022015). Collection method: clinical testing. Allele origin: germline.
Comment: This sequence change falls in intron 1 of the BBS10 gene. It does not directly change the encoded amino acid sequence of the BBS10 protein. It affects a nucleotide within the consensus splice site. This variant is present in population databases (rs779659204, gnomAD 0.01%). This variant has not been reported in the literature in individuals affected with BBS10-related conditions. ClinVar contains an entry for this variant (Variation ID: 971539). Variants that disrupt the consensus splice site are a relatively common cause of aberrant splicing (PMID: 17576681, 9536098). Algorithms developed to predict the effect of sequence changes on RNA splicing suggest that this variant is not likely to affect RNA splicing. In summary, the available evidence is currently insufficient to determine the role of this variant in disease. Therefore, it has been classified as a Variant of Uncertain Significance.

Ambry Genetics
Classification: Uncertain significance for Inborn genetic diseases. Last evaluated: 2022-04-04. Review status: criteria provided, single submitter. Criteria: Ambry Variant Classification Scheme 2023. Collection method: clinical testing. Allele origin: germline.
Comment: The c.198-3C>T intronic alteration consists of a C to T substitution 3 nucleotides before coding exon 2 in the BBS10 gene. Based on insufficient or conflicting evidence, the clinical significance of this alteration remains unclear.

Blueprint Genetics
Classification: Uncertain significance. Last evaluated: 2019-11-18. Review status: criteria provided, single submitter. Criteria: ACMG Guidelines, 2015. Collection method: clinical testing. Allele origin: germline.

PreventionGenetics, part of Exact Sciences
Classification: Likely benign for BBS10-related condition. Last evaluated: 2022-07-27. Review status: no assertion criteria provided. Collection method: clinical testing. Allele origin: germline. Not counted in ClinVar's aggregate classification.
Comment: This variant is classified as likely benign based on ACMG/AMP sequence variant interpretation guidelines (Richards et al. 2015 PMID: 25741868, with internal and published modifications).

Natera, Inc.
Classification: Uncertain significance for Bardet-Biedl syndrome type 10. Last evaluated: 2020-10-12. Review status: no assertion criteria provided. Collection method: clinical testing. Allele origin: germline. Not counted in ClinVar's aggregate classification.

Dr. Peter K. Rogan Lab, Western University
No classification provided (evidence only). Condition: Melanoma. Review status: no classification provided. Collection method: in vitro. Allele origin: not applicable. Functional consequence: retained intron. Not counted in ClinVar's aggregate classification.

Literature cited by the submitters: PubMed 17576681 (cited by Labcorp Genetics (formerly Invitae), Labcorp); PubMed 9536098 (cited by Labcorp Genetics (formerly Invitae), Labcorp).